The following is an entry in ClinVar:

NM_016169.4(SUFU):c.811_818dup (p.Cys273fs)

Gene: SUFU (SUFU negative regulator of hedgehog signaling; plus strand). Cytogenetic location: 10q24.32.
Variant type: Duplication.
Coding change: c.811_818dup on transcript NM_016169.4 (MANE Select); coding-DNA positions 811 to 818, 8 bases duplicated (GCCAAGTG; older notation c.811_818dupGCCAAGTG).
Protein change: p.Cys273fs; shifts the reading frame from cysteine 273.
Molecular consequence: frameshift variant.
Genome position (GRCh38, 1-based): chr10:102,597,194-102,597,201, GCCAAGTG duplicated. VCF-style (leftmost placement, unchanged base first): chr10-102597193-T-TGCCAAGTG. GRCh37 (hg19) VCF-style: chr10-104356950-T-TGCCAAGTG.
Other names: c.811_818dup, p.Cys273fs (NM_001178133.2); short protein forms C273fs.
Identifiers: ClinVar variation 839802 (VCV000839802.8), dbSNP rs2063471372, ClinGen allele CA916081616.

ClinVar aggregate classification (germline): Pathogenic (1 of 4 stars; one submission).

Conditions:
Medulloblastoma (MDB). Also called: MEDULLOBLASTOMA PREDISPOSITION SYNDROME; Medulloblastoma, somatic. Identifiers: Orphanet 616, MedGen C0025149, MeSH D008527, MONDO:0007959, OMIM 155255, HP:0002885.
Gorlin syndrome. Also called: Nevoid Basal Cell Carcinoma Syndrome; Basal cell nevus syndrome. Identifiers: Orphanet 377, MedGen C0004779, MONDO:0007187.

Submission:

Labcorp Genetics (formerly Invitae), Labcorp
Classification: Pathogenic for Gorlin syndrome; Medulloblastoma. Last evaluated: 2019-02-11. Review status: criteria provided, single submitter. Criteria: Invitae Variant Classification Sherloc (09022015). Collection method: clinical testing. Allele origin: germline.
Comment: For these reasons, this variant has been classified as Pathogenic. Loss-of-function variants in SUFU are known to be pathogenic (PMID: 22508808, 25403219). Algorithms developed to predict the effect of sequence changes on RNA splicing suggest that this variant may create or strengthen a splice site, but this prediction has not been confirmed by published transcriptional studies. This variant has not been reported in the literature in individuals with SUFU-related conditions. This variant is not present in population databases (ExAC no frequency). This sequence change creates a premature translational stop signal (p.Cys273Trpfs*9) in the SUFU gene. It is expected to result in an absent or disrupted protein product.

Literature cited by the submitters: PubMed 22508808; PubMed 25403219.